The following is an entry in ClinVar:

NM_001197104.2(KMT2A):c.3241C>T (p.Arg1081Ter)

Gene: KMT2A (lysine methyltransferase 2A; plus strand). Cytogenetic location: 11q23.3.
Variant type: single nucleotide variant.
Coding change: c.3241C>T on transcript NM_001197104.2 (MANE Select); coding-DNA position 3241, C replaced by T.
Protein change: p.Arg1081Ter; replaces arginine 1081 with a stop codon.
Molecular consequence: nonsense.
Genome position (GRCh38, 1-based): chr11:118,476,889, C>T. VCF-style: chr11-118476889-C-T. GRCh37 (hg19) VCF-style: chr11-118347604-C-T.
Other names: c.3241C>T, p.Arg1081Ter (NM_005933.4); short protein forms R1081*.
Identifiers: ClinVar variation 1328132 (VCV001328132.9), dbSNP rs2134282528, ClinGen allele CA382823850.

ClinVar aggregate classification (germline): Pathogenic. Review status: criteria provided, multiple submitters, no conflicts (2 of 4 stars). 6 submissions from 6 submitters: Pathogenic (6). Last evaluated 2025-03-04.

Conditions:
KMT2A-related disorder. Also called: KMT2A-related condition.
Wiedemann-Steiner syndrome (WDSTS). Also called: Growth deficiency and mental retardation with facial dysmorphism. Identifiers: Orphanet 319182, MedGen C1854630, MONDO:0011518, OMIM 605130.

Submissions (6):

Institute of Human Genetics, University of Leipzig Medical Center
Classification: Pathogenic for Wiedemann-Steiner syndrome. Last evaluated: 2025-03-04. Review status: criteria provided, single submitter. Criteria: ACMG Guidelines, 2015. Collection method: clinical testing. Allele origin: unknown. Inheritance: Autosomal dominant inheritance. Affected: yes.
Comment: Criteria applied: PVS1,PS4_MOD,PM2

3billion
Classification: Pathogenic for Wiedemann-Steiner syndrome. Last evaluated: 2024-11-26. Review status: criteria provided, single submitter. Criteria: ACMG Guidelines, 2015. Collection method: clinical testing. Allele origin: germline. Affected: yes.
Comment: The variant is not observed in the gnomAD v4.1.0 dataset. Predicted Consequence/Location: Stop-gained (nonsense): predicted to result in a loss or disruption of normal protein function through nonsense-mediated decay (NMD) or protein truncation. Multiple pathogenic variants are reported downstream of the variant. The variant has been previously reported as de novo in a similarly affected individual (PMID: 30305169). The variant has been reported at least twice as pathogenic without evidence for the classification (ClinVar ID: VCV001328132 /PMID: 30305169). Therefore, this variant is classified as Pathogenic according to the recommendation of ACMG/AMP guideline.

Blueprint Genetics
Classification: Pathogenic for KMT2A-related disorders. Last evaluated: 2024-11-11. Review status: criteria provided, single submitter. Criteria: ACMG Guidelines, 2015. Collection method: clinical testing. Allele origin: germline. Affected: yes. Observed: 2 variant alleles.

Laboratoire de Génétique Moléculaire, CHU Bordeaux
Classification: Pathogenic for Wiedemann-Steiner syndrome. Last evaluated: 2023-06-06. Review status: criteria provided, single submitter. Criteria: ACMG Guidelines, 2015. Collection method: clinical testing. Allele origin: germline. Affected: yes.

GeneDx
Classification: Pathogenic. Last evaluated: 2022-07-26. Review status: criteria provided, single submitter. Criteria: GeneDx Variant Classification Process June 2021. Collection method: clinical testing. Allele origin: germline. Affected: yes.
Comment: Nonsense variant predicted to result in protein truncation or nonsense mediated decay in a gene for which loss-of-function is a known mechanism of disease; Not observed at significant frequency in large population cohorts (gnomAD); This variant is associated with the following publications: (PMID: 30305169)

Illumina Laboratory Services, Illumina
Classification: Pathogenic for Wiedemann-Steiner syndrome. Last evaluated: 2021-10-04. Review status: criteria provided, single submitter. Criteria: ICSLVariantClassificationCriteria RUGD 01 April 2020. Collection method: clinical testing. Allele origin: unknown.
Comment: The KMT2A c.3241C>T (p.Arg1081Ter) variant is a stop-gained variant that is predicted to result in a premature termination or absence of the protein product. The p.Arg1081Ter variant has been reported in a heterozygous state, occurring de novo, in one individual with Wiedemann-Steiner syndrome (Li et al. 2018). The p.Arg1081Ter variant is not found in version 2.1.1 or version 3.1.1 of the Genome Aggregation Database despite its location in a region of good sequencing coverage, which suggests the variant is rare. Based on the evidence, the p.Arg1081Ter variant is classified as pathogenic for Wiedemann-Steiner syndrome.

Literature cited by the submitters: PubMed 30305169 (cited by 3billion and Illumina Laboratory Services, Illumina).